The following is an entry in ClinVar:

ClinVar aggregate classification (germline): Uncertain significance. Review status: criteria provided, multiple submitters, no conflicts (2 of 4 stars). 2 submissions from 2 submitters: Uncertain significance (2). Last evaluated 2023-11-22.

Conditions:
Cardiovascular phenotype. Identifiers: MedGen CN230736.
Alstrom syndrome (ALMS). Identifiers: Orphanet 64, MedGen C0268425, MONDO:0008763, OMIM 203800.

Allele frequency attached by ClinVar (database versions not stated): gnomAD exomes below 0.00001; ExAC 0.00001; gnomAD 0.00001 and 0.00002; TOPMed 0.00001.
gnomAD v4.1: 2 of 1,614,046 alleles (0.00012%); highest among the groups gnomAD compares: African/African-American, 0.0027%; no homozygotes.

Submissions (2):

Ambry Genetics
Classification: Uncertain significance for Cardiovascular phenotype. Last evaluated: 2023-11-22. Review status: criteria provided, single submitter. Criteria: Ambry Variant Classification Scheme 2023. Collection method: clinical testing. Allele origin: germline.
Comment: The p.L2444R variant (also known as c.7331T>G), located in coding exon 8 of the ALMS1 gene, results from a T to G substitution at nucleotide position 7331. The leucine at codon 2444 is replaced by arginine, an amino acid with dissimilar properties. This amino acid position is not well conserved in available vertebrate species. In addition, this alteration is predicted to be deleterious by in silico analysis. Since supporting evidence is limited at this time, the clinical significance of this alteration remains unclear.

Labcorp Genetics (formerly Invitae), Labcorp
Classification: Uncertain significance for Alstrom syndrome. Last evaluated: 2022-03-18. Review status: criteria provided, single submitter. Criteria: Invitae Variant Classification Sherloc (09022015). Collection method: clinical testing. Allele origin: germline.
Comment: This sequence change replaces leucine, which is neutral and non-polar, with arginine, which is basic and polar, at codon 2444 of the ALMS1 protein (p.Leu2444Arg). This variant is present in population databases (rs766944640, gnomAD 0.007%). This variant has not been reported in the literature in individuals affected with ALMS1-related conditions. Experimental studies and prediction algorithms are not available or were not evaluated, and the functional significance of this variant is currently unknown. In summary, the available evidence is currently insufficient to determine the role of this variant in disease. Therefore, it has been classified as a Variant of Uncertain Significance.

NM_001378454.1(ALMS1):c.7328T>G (p.Leu2443Arg)

Gene: ALMS1 (ALMS1 centrosome and basal body associated protein; plus strand). Cytogenetic location: 2p13.1.
Variant type: single nucleotide variant.
Coding change: c.7328T>G on transcript NM_001378454.1 (MANE Select); coding-DNA position 7328, T replaced by G.
Protein change: p.Leu2443Arg; replaces leucine 2443 with arginine.
Molecular consequence: missense variant.
Genome position (GRCh38, 1-based): chr2:73,453,855, T>G. VCF-style: chr2-73453855-T-G. GRCh37 (hg19) VCF-style: chr2-73680982-T-G.
Other names: c.7331T>G, p.Leu2444Arg (NM_015120.4); short protein forms L2443R, L2444R.
Identifiers: ClinVar variation 1493591 (VCV001493591.4), dbSNP rs766944640, ClinGen allele CA1714213.